The following is an entry in ClinVar:

ClinVar aggregate classification (germline): Uncertain significance (1 of 4 stars; one submission).

Conditions:
Hypoalphalipoproteinemia, primary, 2. Also called: HIGH DENSITY LIPOPROTEIN DEFICIENCY; HYPOALPHALIPOPROTEINEMIA, PRIMARY, 2, AUTOSOMAL RECESSIVE. Identifiers: MedGen C5551172, MONDO:0032766, OMIM 618463.

Submission:

Institute of Immunology and Genetics Kaiserslautern
Classification: Uncertain significance for Hypoalphalipoproteinemia, primary, 2. Last evaluated: 2024-04-25. Review status: criteria provided, single submitter. Criteria: ACMG Guidelines, 2015. Collection method: clinical testing. Allele origin: germline. Affected: yes.
Comment: ACMG Criteria: PM2, PP4, BP4; Variant was found in homozygous state

NM_000039.3(APOA1):c.254G>C (p.Arg85Pro)

Genes: APOA1 (apolipoprotein A1; minus strand), APOA1-AS (APOA1 antisense RNA; plus strand). Cytogenetic location: 11q23.3.
Variant type: single nucleotide variant.
Coding change: c.254G>C on transcript NM_000039.3 (MANE Select); coding-DNA position 254, G replaced by C.
Protein change: p.Arg85Pro; replaces arginine 85 with proline.
Molecular consequence: missense variant.
Genome position (GRCh38, 1-based): chr11:116,836,358, C>G on the plus strand (G>C on the coding strand, the complement: APOA1 is on the minus strand). VCF-style: chr11-116836358-C-G. GRCh37 (hg19) VCF-style: chr11-116707074-C-G.
Other names: c.254G>C, p.Arg85Pro (NM_001318017.2, NM_001318018.2, NM_001425090.1 and 1 more transcripts); c.-74G>C (NM_001318021.2, NM_001425091.1, NM_001425092.1); short protein forms R85P.
Identifiers: ClinVar variation 3235072 (VCV003235072.1), dbSNP rs2540291583, ClinGen allele CA382717202.
Genomic context (GRCh38, chr11:116,836,358, plus strand): 5'-CCCTCTGTCTCCTTTTCCAGGTTATCCCAGAACTCCTGGGTCACAGGGCCGAGCTGTTCG[C>G]GCAGCTTGCTGAAGGTGGAGGTCACGCTGTCCCAGTTGTCAAGGAGCTTTAGGCTGGAGG-3'
Protein context (NP_000030.1, residues 75-95): DSVTSTFSKL[Arg85Pro]EQLGPVTQEF